The following is an entry in ClinVar:

ClinVar aggregate classification (germline): Uncertain significance (1 of 4 stars; one submission).

gnomAD v4.1: 2 of 1,614,012 alleles (0.00012%); highest among the groups gnomAD compares: Non-Finnish European, 0.00017%; no homozygotes.

Submission:

GeneDx
Classification: Uncertain significance. Last evaluated: 2019-06-25. Review status: criteria provided, single submitter. Criteria: GeneDx Variant Classification Process June 2021. Collection method: clinical testing. Allele origin: germline. Affected: yes.
Comment: Not observed in large population cohorts (Lek et al., 2016); In silico analysis, which includes protein predictors and evolutionary conservation, supports that this variant does not alter protein structure/function; Has not been previously published as pathogenic or benign to our knowledge

NM_001148.6(ANK2):c.8672C>T (p.Pro2891Leu)

Gene: ANK2 (ankyrin 2; plus strand). Cytogenetic location: 4q26.
Variant type: single nucleotide variant.
Coding change: c.8672C>T on transcript NM_001148.6 (MANE Select); coding-DNA position 8672, C replaced by T.
Protein change: p.Pro2891Leu; replaces proline 2891 with leucine.
Molecular consequence: missense variant. On other transcripts: intron variant (68).
Genome position (GRCh38, 1-based): chr4:113,357,290, C>T. VCF-style: chr4-113357290-C-T. GRCh37 (hg19) VCF-style: chr4-114278446-C-T.
Other names: c.8438C>T, p.Pro2813Leu (NM_001386142.1); c.5072C>T, p.Pro1691Leu (NM_001386166.1); c.8813C>T, p.Pro2938Leu (NM_001386174.1); c.8789C>T, p.Pro2930Leu (NM_001386175.1); c.4412-3533C>T (NM_001386186.2, NM_001386148.2); c.4214-3533C>T (NM_001354269.3); c.4292-3533C>T (NM_001386187.2); c.4253-3533C>T (NM_001386147.1); and 35 more; short protein forms P1691L, P2813L, P2891L, P2930L, P2938L.
Identifiers: ClinVar variation 1216949 (VCV001216949.3), dbSNP rs2154027475, ClinGen allele CA357934580.